The following is an entry in ClinVar:

NM_133497.4(KCNV2):c.828G>A (p.Ala276=)

Gene: KCNV2 (potassium voltage-gated channel modifier subfamily V member 2; plus strand). Cytogenetic location: 9p24.2.
Variant type: single nucleotide variant.
Coding change: c.828G>A on transcript NM_133497.4 (MANE Select); coding-DNA position 828, G replaced by A.
Protein change: p.Ala276=; no amino-acid change (alanine 276 retained).
Molecular consequence: synonymous variant.
Genome position (GRCh38, 1-based): chr9:2,718,567, G>A. VCF-style: chr9-2718567-G-A. GRCh37 (hg19) VCF-style: chr9-2718567-G-A.
Identifiers: ClinVar variation 718563 (VCV000718563.47), dbSNP rs144330480, ClinGen allele CA4965641.

ClinVar aggregate classification (germline): Likely benign. Review status: criteria provided, multiple submitters, no conflicts (2 of 4 stars). 6 submissions from 6 submitters: Likely benign (4). 2 of the submissions do not count toward it. Last evaluated 2026-01-07.

Conditions:
KCNV2-related disorder. Also called: KCNV2-related condition.

Allele frequency attached by ClinVar (database versions not stated): ESP Exome Variant Server 0.00054; gnomAD exomes 0.00068 and 0.00098; gnomAD 0.00071 and 0.00076; ExAC 0.00076; 1000 Genomes Project 0.00080; TOPMed 0.00083; 1000 Genomes Project 30x 0.00094.
gnomAD v4.1: 1,540 of 1,612,502 alleles (0.096%); highest among the groups gnomAD compares: Admixed American, 0.15%; 3 homozygotes.

Submissions (6):

Labcorp Genetics (formerly Invitae), Labcorp
Classification: Likely benign. Last evaluated: 2026-01-07. Review status: criteria provided, single submitter. Criteria: Invitae Variant Classification Sherloc (09022015). Collection method: clinical testing. Allele origin: germline.

Blueprint Genetics
Classification: Likely benign. Last evaluated: 2024-11-21. Review status: criteria provided, single submitter. Criteria: ACMG Guidelines, 2015. Collection method: clinical testing. Allele origin: germline.

PreventionGenetics, part of Exact Sciences
Classification: Likely benign for KCNV2-related condition. Last evaluated: 2024-10-25. Review status: criteria provided, single submitter. Criteria: ACMG Guidelines, 2015. Collection method: clinical testing. Allele origin: germline.
Comment: This variant is classified as likely benign based on ACMG/AMP sequence variant interpretation guidelines (Richards et al. 2015 PMID: 25741868, with internal and published modifications).

CeGaT Center for Human Genetics Tuebingen
Classification: Likely benign. Last evaluated: 2022-01-01. Review status: criteria provided, single submitter. Criteria: CeGaT Center For Human Genetics Tuebingen Variant Classification Criteria Version 2. Collection method: clinical testing. Allele origin: germline. Affected: yes. Observed: 1 variant allele.

Clinical Genetics DNA and cytogenetics Diagnostics Lab, Erasmus MC, Erasmus Medical Center
Classification: Likely benign. Review status: no assertion criteria provided. Collection method: clinical testing. Allele origin: germline. Affected: yes. Study: VKGL Data-share Consensus. Not counted in ClinVar's aggregate classification.

Clinical Genetics, Academic Medical Center
Classification: Benign. Review status: no assertion criteria provided. Collection method: clinical testing. Allele origin: germline. Affected: yes. Study: VKGL Data-share Consensus. Not counted in ClinVar's aggregate classification.